The following is an entry in ClinVar:

ClinVar aggregate classification (germline): Benign. Review status: reviewed by expert panel (3 of 4 stars). 32 submissions from 31 submitters: Benign (1). 31 of the submissions do not count toward it. Last evaluated 2015-08-10.

Conditions:
Fanconi anemia, complementation group S (FANCS). Identifiers: MedGen C4554406, MONDO:0054748, OMIM 617883.
Breast-ovarian cancer, familial, susceptibility to, 1 (BROVCA1). Also called: BRCA1 Hereditary Breast and Ovarian Cancer; OVARIAN CANCER, SUSCEPTIBILITY TO. Identifiers: Orphanet 145, MedGen C2676676, MONDO:0011450, OMIM 604370. Disease mechanism: loss of function.
Familial cancer of breast. Also called: BREAST CANCER, FAMILIAL; hereditary breast carcinoma; Hereditary breast cancer. Identifiers: Orphanet 227535, MedGen C0346153, MONDO:0016419, OMIM 114480. Disease mechanism: loss of function.
BRCA1-related cancer predisposition. Identifiers: MedGen CN377757, MONDO:0700268.
Breast and/or ovarian cancer. Identifiers: MedGen CN221562.
Hereditary cancer-predisposing syndrome. Also called: Hereditary Cancer Syndrome; Tumor predisposition; Neoplastic Syndromes, Hereditary; Hereditary neoplastic syndrome. Identifiers: Orphanet 140162, MedGen C0027672, MeSH D009386, MONDO:0015356.
Hereditary breast ovarian cancer syndrome. Also called: Breast and ovarian cancer; BRCA1- and BRCA2-Associated Hereditary Breast and Ovarian Cancer; Hereditary breast and ovarian cancer; Hereditary breast and ovarian cancer syndrome (HBOC); Hereditary breast and ovarian cancer syndrome; Hereditary breast and/or ovarian cancer syndrome. Identifiers: Orphanet 145, MedGen C0677776, MeSH D061325, MONDO:0003582. Disease mechanism: loss of function.
Malignant tumor of breast. Also called: Malignant breast neoplasm; Cancer breast. Identifiers: MedGen C0006142, MONDO:0007254. Disease mechanism: loss of function.

Allele frequency attached by ClinVar (database versions not stated): gnomAD 0.00006; TOPMed 0.00011; ESP Exome Variant Server 0.00015; 1000 Genomes Project 30x 0.00016; 1000 Genomes Project 0.00020.
gnomAD v4.1: 202 of 1,614,072 alleles (0.013%); highest among the groups gnomAD compares: Middle Eastern, 0.18%; no homozygotes.

Submissions 1 to 18 of 32:

Evidence-based Network for the Interpretation of Germline Mutant Alleles (ENIGMA)
Classification: Benign for Breast-ovarian cancer, familial 1. Last evaluated: 2015-08-10. Review status: reviewed by expert panel. Criteria: ENIGMA BRCA1/2 Classification Criteria (2015). Collection method: curation. Allele origin: germline.
Comment: IARC class based on posterior probability from multifactorial likelihood analysis, thresholds for class as per Plon et al. 2008 (PMID: 18951446). Class 1 based on posterior probability = 0.000173

Labcorp Genetics (formerly Invitae), Labcorp
Classification: Benign for Hereditary breast ovarian cancer syndrome. Last evaluated: 2026-01-26. Review status: criteria provided, single submitter. Criteria: Invitae Variant Classification Sherloc (09022015). Collection method: clinical testing. Allele origin: germline. Not counted in ClinVar's aggregate classification.

Dasa
Classification: Likely benign for Breast-ovarian cancer, familial, susceptibility to, 1. Last evaluated: 2025-12-08. Review status: criteria provided, single submitter. Criteria: DASA Assertion Criteria. Collection method: clinical testing. Allele origin: germline. Not counted in ClinVar's aggregate classification.
Comment: NM_007294.4(BRCA1):c.4636G>A (p.Asp1546Asn) is a missense variant that results in the substitution of aspartic acid with asparagine. Population frequency is inconsistent with a disease-causing role for this variant, and functional evidence is consistent with no deleterious impact on the gene or gene product. Therefore, based on the currently available evidence, this variant is classified as likely benign.

Mayo Clinic Laboratories, Mayo Clinic
Classification: Benign. Last evaluated: 2025-09-05. Review status: criteria provided, single submitter. Criteria: ACMG Guidelines, 2015. Collection method: clinical testing. Allele origin: germline. Observed: 6 variant alleles. Not counted in ClinVar's aggregate classification.
Comment: BS1, BP1_strong

CeGaT Center for Human Genetics Tuebingen
Classification: Benign. Last evaluated: 2025-09-01. Review status: criteria provided, single submitter. Criteria: CeGaT Center For Human Genetics Tuebingen Variant Classification Criteria Version 2. Collection method: clinical testing. Allele origin: germline. Affected: yes. Observed: 4 variant alleles. Not counted in ClinVar's aggregate classification.
Comment: BRCA1: BP4, BS1, BS2

Center for Genomic Medicine, Rigshospitalet, Copenhagen University Hospital
Classification: Benign. Last evaluated: 2025-03-04. Review status: criteria provided, single submitter. Criteria: ACMG Guidelines, 2015. Collection method: clinical testing. Allele origin: germline. Not counted in ClinVar's aggregate classification.

All of Us Research Program, National Institutes of Health
Classification: Likely benign for BRCA1-related cancer predisposition. Last evaluated: 2024-09-23. Review status: criteria provided, single submitter. Criteria: ACMG Guidelines, 2015. Collection method: clinical testing. Allele origin: germline. Inheritance: Autosomal dominant inheritance. Observed: 60 variant alleles, 60 heterozygotes. Not counted in ClinVar's aggregate classification.
Comment: This study involves interpretation of variants in research participants for the purpose of population health screening. Participant phenotype was not available at the time of variant classification. Additional details can be found in publication PMID: 35346344, PMCID: PMC8962531

Blueprint Genetics
Classification: Likely benign. Last evaluated: 2024-08-12. Review status: criteria provided, single submitter. Criteria: ACMG Guidelines, 2015. Collection method: clinical testing. Allele origin: germline. Not counted in ClinVar's aggregate classification.

Institute for Biomarker Research, Medical Diagnostic Laboratories, L.L.C.
Classification: Benign for Hereditary breast ovarian cancer syndrome. Last evaluated: 2023-12-05. Review status: criteria provided, single submitter. Criteria: ACMG Guidelines, 2015. Collection method: clinical testing. Allele origin: germline. Not counted in ClinVar's aggregate classification.

KCCC/NGS Laboratory, Kuwait Cancer Control Center
Classification: Benign for Breast-ovarian cancer, familial, susceptibility to, 1. Last evaluated: 2023-07-07. Review status: criteria provided, single submitter. Criteria: ACMG Guidelines, 2015. Collection method: clinical testing. Allele origin: germline. Affected: yes. Not counted in ClinVar's aggregate classification.

CHEO Genetics Diagnostic Laboratory, Children's Hospital of Eastern Ontario
Classification: Likely benign for Breast and/or ovarian cancer. Last evaluated: 2022-05-30. Review status: criteria provided, single submitter. Criteria: ACMG Guidelines, 2015. Collection method: clinical testing. Allele origin: germline. Not counted in ClinVar's aggregate classification.

National Health Laboratory Service, Universitas Academic Hospital and University of the Free State
Classification: Benign for Hereditary breast ovarian cancer syndrome. Last evaluated: 2021-11-16. Review status: criteria provided, single submitter. Criteria: ACMG Guidelines, 2015. Collection method: clinical testing. Allele origin: germline. Affected: yes. Observed: 2 variant alleles. Not counted in ClinVar's aggregate classification.

Genetic Services Laboratory, University of Chicago
Classification: Likely benign. Last evaluated: 2021-08-24. Review status: criteria provided, single submitter. Criteria: ACMG Guidelines, 2015. Collection method: clinical testing. Allele origin: germline. Affected: no. Not counted in ClinVar's aggregate classification.

Sema4
Classification: Likely benign for Hereditary cancer-predisposing syndrome. Last evaluated: 2021-03-19. Review status: criteria provided, single submitter. Criteria: Sema4 Curation Guidelines. Collection method: curation. Allele origin: germline. Not counted in ClinVar's aggregate classification.

ARUP Laboratories, Molecular Genetics and Genomics, ARUP Laboratories
Classification: Benign. Last evaluated: 2020-02-05. Review status: criteria provided, single submitter. Criteria: ARUP Molecular Germline Variant Investigation Process. Collection method: clinical testing. Allele origin: germline. Not counted in ClinVar's aggregate classification.

Institute of Human Genetics, University of Leipzig Medical Center
Classification: Uncertain significance for Breast-ovarian cancer, familial, susceptibility to, 1. Last evaluated: 2019-05-07. Review status: criteria provided, single submitter. Criteria: ACMG Guidelines, 2015. Collection method: clinical testing. Allele origin: germline. Affected: yes. Observed: 1 variant allele. Not counted in ClinVar's aggregate classification.

Clinical Genetics DNA and cytogenetics Diagnostics Lab, Erasmus MC, Erasmus Medical Center
Classification: Benign for Breast-ovarian cancer, familial, susceptibility to, 1. Last evaluated: 2017-05-31. Review status: criteria provided, single submitter. Criteria: ACGS Guidelines, 2013. Collection method: clinical testing. Allele origin: germline. Affected: yes. Study: VKGL Data-share Consensus. Not counted in ClinVar's aggregate classification.

Illumina Laboratory Services, Illumina
Classification: Likely benign for Breast-ovarian cancer, familial, susceptibility to, 1. Last evaluated: 2017-04-27. Review status: criteria provided, single submitter. Criteria: ICSL Variant Classification Criteria 13 December 2019. Collection method: clinical testing. Allele origin: germline. Not counted in ClinVar's aggregate classification.
Comment: This variant was observed as part of a predisposition screen in an ostensibly healthy population. A literature search was performed for the gene, cDNA change, and amino acid change (where applicable). Publications were found based on this search. The evidence from the literature, in combination with allele frequency data from public databases where available, was sufficient to determine this variant is unlikely to cause disease. Therefore, this variant is classified as likely benign.

NM_007294.4(BRCA1):c.4636G>A (p.Asp1546Asn)

Gene: BRCA1 (BRCA1 DNA repair associated; minus strand). Cytogenetic location: 17q21.31.
Variant type: single nucleotide variant.
Coding change: c.4636G>A on transcript NM_007294.4 (MANE Select); coding-DNA position 4636, G replaced by A.
Protein change: p.Asp1546Asn; replaces aspartic acid 1546 with asparagine.
Molecular consequence: missense variant. On other transcripts: non-coding transcript variant (1).
Genome position (GRCh38, 1-based): chr17:43,074,370, C>T on the plus strand (G>A on the coding strand, the complement: BRCA1 is on the minus strand). VCF-style: chr17-43074370-C-T. GRCh37 (hg19) VCF-style: chr17-41226387-C-T.
Other names: p.D1546N:GAT>AAT; 4755G>A; NP_009225.1:p.Asp1546Asn; c.4513G>A, p.Asp1505Asn (NM_001407669.1, NM_001407665.1, NM_001407666.1 and 6 more transcripts); c.4510G>A, p.Asp1504Asn (NM_001407670.1, NM_001407671.1, NM_001407672.1 and 11 more transcripts); c.4636G>A, p.Asp1546Asn (NM_001407684.1, NM_001407854.1, NM_001407593.1 and 8 more transcripts); c.4507G>A, p.Asp1503Asn (NM_001407685.1, NM_001407686.1, NM_001407687.1 and 6 more transcripts); c.4504G>A, p.Asp1502Asn (NM_001407690.1, NM_001407691.1); and 71 more; short protein forms D1546N, D1567N, D442N, D1499N, D1250N, D1417N, D1433N, D1498N.
Identifiers: ClinVar variation 55245 (VCV000055245.95), dbSNP rs28897691, ClinGen allele CA002936.
Genomic context (GRCh38, chr17:43,074,370, plus strand): 5'-ATACAGCAGATGAAATATTACCTAGATCTTGCCTTGGCAAGTAAGATGTTTCCGTCAAAT[C>T]GTGTGGCCCAGACTCTTCCAGCTGTTGCTCCTCCACATCAACAACCTTAATGAGCTCCTC-3'
Protein context (NP_009225.1, residues 1536-1556): EQQLEESGPH[Asp1546Asn]LTETSYLPRQ